The following is an entry in ClinVar:

NM_007294.4(BRCA1):c.85G>A (p.Glu29Lys)

Gene: BRCA1 (BRCA1 DNA repair associated; minus strand). Cytogenetic location: 17q21.31.
Variant type: single nucleotide variant.
Coding change: c.85G>A on transcript NM_007294.4 (MANE Select); coding-DNA position 85, G replaced by A.
Protein change: p.Glu29Lys; replaces glutamic acid 29 with lysine.
Molecular consequence: missense variant. On other transcripts: non-coding transcript variant (1), intron variant (1).
Genome position (GRCh38, 1-based): chr17:43,115,775, C>T on the plus strand (G>A on the coding strand, the complement: BRCA1 is on the minus strand). VCF-style: chr17-43115775-C-T. GRCh37 (hg19) VCF-style: chr17-41267792-C-T.
Other names: c.-104G>A (NM_001407571.1, NM_001407853.1, NM_001407879.1 and 52 more transcripts); c.85G>A, p.Glu29Lys (NM_001407581.1, NM_001407582.1, NM_001407583.1 and 192 more transcripts); c.-173G>A (NM_001407694.1, NM_001407696.1, NM_001407724.1 and 13 more transcripts); c.-177G>A (NM_001407695.1, NM_001408465.1); c.-57G>A (NM_001407697.1, NM_001407725.1, NM_001407728.1 and 47 more transcripts); c.-53G>A (NM_001407841.1); c.-220G>A (NM_001407889.1, NM_001407900.1, NM_001408492.1); c.-219G>A (NM_001407960.1, NM_001407962.1, NM_001408510.1 and 1 more transcripts); and 2 more; short protein forms E29K.
Identifiers: ClinVar variation 868122 (VCV000868122.4), dbSNP rs80357443, ClinGen allele CA10601985.

ClinVar aggregate classification (germline): Uncertain significance (1 of 4 stars; one submission).

Conditions:
Hereditary cancer-predisposing syndrome. Also called: Neoplastic Syndromes, Hereditary; Tumor predisposition; Hereditary Cancer Syndrome; Hereditary neoplastic syndrome. Identifiers: Orphanet 140162, MedGen C0027672, MeSH D009386, MONDO:0015356.

Submissions (2):

Ambry Genetics
Classification: Uncertain significance for Hereditary cancer-predisposing syndrome. Last evaluated: 2025-05-21. Review status: criteria provided, single submitter. Criteria: Ambry Variant Classification Scheme 2023. Collection method: clinical testing. Allele origin: germline.
Comment: The p.E29K variant (also known as c.85G>A), located in coding exon 2 of the BRCA1 gene, results from a G to A substitution at nucleotide position 85. The glutamic acid at codon 29 is replaced by lysine, an amino acid with similar properties. One functional study found that this nucleotide substitution is functional in a high throughput genome editing haploid cell survival assay (Findlay GM et al. Nature, 2018 Oct;562:217-222). This amino acid position is highly conserved in available vertebrate species. In addition, this alteration is predicted to be deleterious by in silico analysis. Based on the available evidence, the clinical significance of this variant remains unclear.

Brotman Baty Institute, University of Washington
No classification provided (evidence only). Condition: Breast-ovarian cancer, familial 1. Review status: no classification provided. Collection method: in vitro. Allele origin: not applicable. Functional consequence: functionally_normal. Not counted in ClinVar's aggregate classification.
ClinVar note: "not provided" was previously submitted as the classification for the variant. However, the classification appeared to be based only on an observation of functional data so it was converted to no classification on 2025-07-30.

Literature cited by the submitters: PubMed 30209399 (cited by Ambry Genetics).